The following is an entry in ClinVar:

NM_014915.3(ANKRD26):c.474C>A (p.Asp158Glu)

Gene: ANKRD26 (ankyrin repeat domain containing 26; minus strand). Cytogenetic location: 10p12.1.
Variant type: single nucleotide variant.
Coding change: c.474C>A on transcript NM_014915.3 (MANE Select); coding-DNA position 474, C replaced by A.
Protein change: p.Asp158Glu; replaces aspartic acid 158 with glutamic acid.
Molecular consequence: missense variant.
Genome position (GRCh38, 1-based): chr10:27,093,406, G>T on the plus strand (C>A on the coding strand, the complement: ANKRD26 is on the minus strand). VCF-style: chr10-27093406-G-T. GRCh37 (hg19) VCF-style: chr10-27382335-G-T.
Other names: c.474C>A, p.Asp158Glu (NM_001256053.2); short protein forms D158E.
Identifiers: ClinVar variation 3397579 (VCV003397579.2).

ClinVar aggregate classification (germline): Uncertain significance (1 of 4 stars; one submission).

Conditions:
Inborn genetic diseases. Identifiers: MedGen C0950123, MeSH D030342.

Submission:

Ambry Genetics
Classification: Uncertain significance for Inborn genetic diseases. Last evaluated: 2025-07-24. Review status: criteria provided, single submitter. Criteria: Ambry Variant Classification Scheme 2023. Collection method: clinical testing. Allele origin: germline.
Comment: The p.D158E variant (also known as c.474C>A), located in coding exon 3 of the ANKRD26 gene, results from a C to A substitution at nucleotide position 474. The aspartic acid at codon 158 is replaced by glutamic acid, an amino acid with highly similar properties. This amino acid position is conserved. In addition, this alteration is predicted to be tolerated by in silico analysis. Based on the available evidence, the clinical significance of this variant remains unclear.